The following is an entry in ClinVar:

ClinVar aggregate classification (germline): Uncertain significance (1 of 4 stars; one submission).

Conditions:
Biotin-responsive basal ganglia disease (BTBGD). Also called: thiamine-responsive encephalopathy; THIAMINE METABOLISM DYSFUNCTION SYNDROME 2 (BIOTIN- AND THIAMINE-RESPONSIVE TYPE); Thiamine Transporter-2 Deficiency; Thiamine metabolism dysfunction syndrome 2 (biotin- or thiamine-responsive encephalopathy type 2); Thiamine metabolism dysfunction syndrome type 2. Identifiers: Orphanet 199348, Orphanet 65284, MedGen C1843807, MONDO:0011841, OMIM 607483.

Allele frequency attached by ClinVar (database versions not stated): gnomAD 0.00003; TOPMed 0.00004.
gnomAD v4.1: 5 of 1,614,070 alleles (0.00031%); highest among the groups gnomAD compares: African/African-American, 0.0067%; no homozygotes.

Submission:

Labcorp Genetics (formerly Invitae), Labcorp
Classification: Uncertain significance for Biotin-responsive basal ganglia disease. Last evaluated: 2024-02-17. Review status: criteria provided, single submitter. Criteria: Invitae Variant Classification Sherloc (09022015). Collection method: clinical testing. Allele origin: germline.
Comment: This sequence change replaces phenylalanine, which is neutral and non-polar, with leucine, which is neutral and non-polar, at codon 352 of the SLC19A3 protein (p.Phe352Leu). This variant is present in population databases (rs757809128, gnomAD 0.01%). This variant has not been reported in the literature in individuals affected with SLC19A3-related conditions. ClinVar contains an entry for this variant (Variation ID: 861807). Advanced modeling of protein sequence and biophysical properties (such as structural, functional, and spatial information, amino acid conservation, physicochemical variation, residue mobility, and thermodynamic stability) performed at Invitae indicates that this missense variant is not expected to disrupt SLC19A3 protein function with a negative predictive value of 80%. In summary, the available evidence is currently insufficient to determine the role of this variant in disease. Therefore, it has been classified as a Variant of Uncertain Significance.

NM_025243.4(SLC19A3):c.1054T>C (p.Phe352Leu)

Gene: SLC19A3 (solute carrier family 19 member 3; minus strand). Cytogenetic location: 2q36.3.
Variant type: single nucleotide variant.
Coding change: c.1054T>C on transcript NM_025243.4 (MANE Select); coding-DNA position 1054, T replaced by C.
Protein change: p.Phe352Leu; replaces phenylalanine 352 with leucine.
Molecular consequence: missense variant.
Genome position (GRCh38, 1-based): chr2:227,696,007, A>G on the plus strand (T>C on the coding strand, the complement: SLC19A3 is on the minus strand). VCF-style: chr2-227696007-A-G. GRCh37 (hg19) VCF-style: chr2-228560723-A-G.
Other names: c.1054T>C, p.Phe352Leu (NM_001371411.1, NM_001371412.1); c.1042T>C, p.Phe348Leu (NM_001371413.1, NM_001371414.1); short protein forms F348L, F352L.
Identifiers: ClinVar variation 861807 (VCV000861807.9), dbSNP rs757809128, ClinGen allele CA2149165.